The following is an entry in ClinVar:

NM_198904.4(GABRG2):c.*1974G>A

Gene: GABRG2 (gamma-aminobutyric acid type A receptor subunit gamma2; plus strand). Cytogenetic location: 5q34.
Variant type: single nucleotide variant.
Coding change: c.*1974G>A on transcript NM_198904.4 (MANE Select); 1974 bases downstream of the stop codon, G replaced by A.
Molecular consequence: 3 prime UTR variant.
Genome position (GRCh38, 1-based): chr5:162,155,342, G>A. VCF-style: chr5-162155342-G-A. GRCh37 (hg19) VCF-style: chr5-161582348-G-A.
Other names: c.*1974G>A (NM_000816.3, NM_001375339.1, NM_001375341.1 and 10 more transcripts); c.*2236G>A (NM_001375340.1).
Identifiers: ClinVar variation 352668 (VCV000352668.5), dbSNP rs150875037, ClinGen allele CA10621238.

ClinVar aggregate classification (germline): Benign (1 of 4 stars; one submission).

Conditions:
EPILEPSY, CHILDHOOD ABSENCE, SUSCEPTIBILITY TO, 2 (ECA2). Identifiers: Orphanet 64280, MedGen C1843244, OMIM 607681.

Allele frequency attached by ClinVar (database versions not stated): gnomAD 0.00909; 1000 Genomes Project 0.00978; 1000 Genomes Project 30x 0.01046; TOPMed 0.01160.

Submission:

Illumina Laboratory Services, Illumina
Classification: Benign for Febrile seizures, familial, 8. Last evaluated: 2018-01-12. Review status: criteria provided, single submitter. Criteria: ICSL Variant Classification Criteria 13 December 2019. Collection method: clinical testing. Allele origin: germline.
Comment: This variant was observed in the ICSL laboratory as part of a predisposition screen in an ostensibly healthy population. It had not been previously curated by ICSL or reported in the Human Gene Mutation Database (HGMD: prior to June 1st, 2018), and was therefore a candidate for classification through an automated scoring system. Utilizing variant allele frequency, disease prevalence and penetrance estimates, and inheritance mode, an automated score was calculated to assess if this variant is too frequent to cause the disease. Based on the score and internal cut-off values, a variant classified as benign is not then subjected to further curation. The score for this variant resulted in a classification of benign for this disease.